The following is an entry in ClinVar:

NM_014956.5(CEP164):c.2741G>A (p.Arg914Gln)

Gene: CEP164 (centrosomal protein 164; plus strand). Cytogenetic location: 11q23.3.
Variant type: single nucleotide variant.
Coding change: c.2741G>A on transcript NM_014956.5 (MANE Select); coding-DNA position 2741, G replaced by A.
Protein change: p.Arg914Gln; replaces arginine 914 with glutamine.
Molecular consequence: missense variant.
Genome position (GRCh38, 1-based): chr11:117,394,474, G>A. VCF-style: chr11-117394474-G-A. GRCh37 (hg19) VCF-style: chr11-117265190-G-A.
Other names: c.2750G>A, p.Arg917Gln (NM_001271933.2); short protein forms R914Q, R917Q.
Identifiers: ClinVar variation 4000694 (VCV004000694.2).

ClinVar aggregate classification (germline): Uncertain significance. Review status: criteria provided, multiple submitters, no conflicts (2 of 4 stars). 2 submissions from 2 submitters: Uncertain significance (2). Last evaluated 2025-03-22.

Conditions:
Inborn genetic diseases. Identifiers: MedGen C0950123, MeSH D030342.
CEP164-related disorder. Also called: CEP164-related condition.

gnomAD v4.1: 5 of 1,613,956 alleles (0.00031%); highest among the groups gnomAD compares: African/African-American, 0.0013%; no homozygotes.

Submissions (2):

Ambry Genetics
Classification: Uncertain significance for Inborn genetic diseases. Last evaluated: 2025-03-22. Review status: criteria provided, single submitter. Criteria: Ambry Variant Classification Scheme 2023. Collection method: clinical testing. Allele origin: germline.

PreventionGenetics, part of Exact Sciences
Classification: Uncertain significance for CEP164-related condition. Last evaluated: 2025-03-19. Review status: criteria provided, single submitter. Criteria: ACMG Guidelines, 2015. Collection method: clinical testing. Allele origin: germline.
Comment: The CEP164 c.2741G>A variant is predicted to result in the amino acid substitution p.Arg914Gln. To our knowledge, this variant has not been reported in the literature. This variant is reported in 0.00088% of alleles in individuals of European (Non-Finnish) descent in gnomAD. At this time, the clinical significance of this variant is uncertain due to the absence of conclusive functional and genetic evidence.